The following is an entry in ClinVar:

ClinVar aggregate classification (germline): Likely benign (1 of 4 stars; one submission).

Submission:

GeneDx
Classification: Likely benign. Last evaluated: 2017-11-20. Review status: criteria provided, single submitter. Criteria: GeneDx Variant Classification (06012015). Collection method: clinical testing. Allele origin: germline. Affected: yes.
Comment: This variant is considered likely benign or benign based on one or more of the following criteria: it is a conservative change, it occurs at a poorly conserved position in the protein, it is predicted to be benign by multiple in silico algorithms, and/or has population frequency not consistent with disease.

NM_013352.4(DSE):c.1827G>A (p.Gln609=)

Gene: DSE (dermatan sulfate epimerase; plus strand). Cytogenetic location: 6q22.1.
Variant type: single nucleotide variant.
Coding change: c.1827G>A on transcript NM_013352.4 (MANE Select); coding-DNA position 1827, G replaced by A.
Protein change: p.Gln609=; no amino-acid change (glutamine 609 retained).
Molecular consequence: synonymous variant. On other transcripts: 3 prime UTR variant (2), non-coding transcript variant (1).
Genome position (GRCh38, 1-based): chr6:116,436,295, G>A. VCF-style: chr6-116436295-G-A. GRCh37 (hg19) VCF-style: chr6-116757458-G-A.
Other names: c.1827G>A, p.Gln609= (NM_001080976.3, NM_001322937.2, NM_001322938.2); c.1884G>A, p.Gln628= (NM_001322939.2); c.1266G>A, p.Gln422= (NM_001322940.2, NM_001322941.2); c.*692G>A (NM_001322943.2, NM_001322944.2); c.828G>A, p.Gln276= (NM_001374520.1); c.792G>A, p.Gln264= (NM_001374521.1).
Identifiers: ClinVar variation 513414 (VCV000513414.1), dbSNP rs1554228227, ClinGen allele CA451902348.